The following is an entry in ClinVar:

ClinVar aggregate classification (germline): Uncertain significance (1 of 4 stars; one submission).

Allele frequency attached by ClinVar (database versions not stated): gnomAD exomes below 0.00001.
gnomAD v4.1: 1 of 1,405,262 alleles (0.000071%); highest among the groups gnomAD compares: East Asian, 0.0031%; no homozygotes.

Submission:

Labcorp Genetics (formerly Invitae), Labcorp
Classification: Uncertain significance. Last evaluated: 2022-02-06. Review status: criteria provided, single submitter. Criteria: Invitae Variant Classification Sherloc (09022015). Collection method: clinical testing. Allele origin: germline.
Comment: This sequence change replaces glutamine, which is neutral and polar, with glutamic acid, which is acidic and polar, at codon 20 of the CDH2 protein (p.Gln20Glu). This variant is not present in population databases (gnomAD no frequency). This variant has not been reported in the literature in individuals affected with CDH2-related conditions. Algorithms developed to predict the effect of missense changes on protein structure and function are either unavailable or do not agree on the potential impact of this missense change (SIFT: "Deleterious"; PolyPhen-2: "Benign"; Align-GVGD: "Class C0"). In summary, the available evidence is currently insufficient to determine the role of this variant in disease. Therefore, it has been classified as a Variant of Uncertain Significance.

NM_001792.5(CDH2):c.58C>G (p.Gln20Glu)

Gene: CDH2 (cadherin 2; minus strand). Cytogenetic location: 18q12.1.
Variant type: single nucleotide variant.
Coding change: c.58C>G on transcript NM_001792.5 (MANE Select); coding-DNA position 58, C replaced by G.
Protein change: p.Gln20Glu; replaces glutamine 20 with glutamic acid.
Molecular consequence: missense variant.
Genome position (GRCh38, 1-based): chr18:28,176,965, G>C on the plus strand (C>G on the coding strand, the complement: CDH2 is on the minus strand). VCF-style: chr18-28176965-G-C. GRCh37 (hg19) VCF-style: chr18-25756929-G-C.
Other names: short protein forms Q20E.
Identifiers: ClinVar variation 2093802 (VCV002093802.4), dbSNP rs2510801262, ClinGen allele CA402245031.